The following continues an entry in ClinVar:

NM_002755.4(MAP2K1):c.199G>A (p.Asp67Asn)

Gene: MAP2K1. ClinVar aggregate classification (germline): Pathogenic. Pathogenic (1). ClinVar aggregate classification (somatic clinical impact): Tier II - Potential.

Submissions 9 to 20 of 24:

Molecular Genetics Laboratory, BC Children's and BC Women's Hospitals
Classification: Pathogenic for Cardiofaciocutaneous syndrome 3. Last evaluated: 2024-06-14. Review status: criteria provided, single submitter. Criteria: ACMG Guidelines, 2015. Collection method: clinical testing. Allele origin: de novo. Affected: yes. Not counted in ClinVar's aggregate classification.

Institute for Genomic Medicine (IGM) Clinical Laboratory, Nationwide Children's Hospital
Classification: Tier II - Potential for Embryonal rhabdomyosarcoma. Assertion type: diagnostic. Clinical significance: supports diagnosis. Last evaluated: 2024-03-26. Review status: criteria provided, single submitter. Criteria: AMP/ASCO/CAP Guidelines, 2017. Collection method: clinical testing. Allele origin: somatic. Affected: yes.
Comment: Variant has Tier II (potential) clinical significance as a diagnostic inclusion criterion in embryonal rhabdomyosarcoma, based on the following evidence: 1) Documented in one or more cancer databases (e.g., St. Jude Pecan, COSMIC, CIViC, OncoKB). 2) Information in the literature supports potential biologic effect of variant (PMIDs: 25049390, 32641410). 3) Assists in diagnosis alone or along with other biomarkers based on small studies or few case reports (Evidence Level D; PMIDs: 19681119, 35705560, 30371878, 22588877).

Dasa
Classification: Pathogenic for Cardiofaciocutaneous syndrome 3. Last evaluated: 2022-03-25. Review status: criteria provided, single submitter. Criteria: ACMG Guidelines, 2015. Collection method: clinical testing. Allele origin: germline. Affected: yes. Observed: 1 variant allele. Not counted in ClinVar's aggregate classification.
Comment: Well-established in vitro or in vivo functional studies supportive of a damaging effect on the gene or gene product (PMID: 25049390) - PS3_moderate. The c.199G>A;p.(Asp67Asn) missense change has been observed in affected individual(s) and ClinVar contains an entry for this variant (ClinVar ID: 40781; PMID: 17704260; PMID: 20301365; PMID: 25049390)-PS4. This variant is not present in population databases (rs727504317- gnomAD; ABraOM no frequency.) - PM2. The variant was assumed de novo, but without confirmation of paternity and maternity (PMID: 17704260) - PM6_strong. Missense variant in MAP2K1 that has a low rate of benign missense variation and in which missense variants are a common mechanism of disease - PP2. Multiple lines of computational evidence support a deleterious effect on the gene or gene product - PP3. In summary, the currently available evidence indicates that the variant is pathogenic

Blueprint Genetics
Classification: Pathogenic for MAP2K1-related disorders. Last evaluated: 2022-03-18. Review status: criteria provided, single submitter. Criteria: ACMG Guidelines, 2015. Collection method: clinical testing. Allele origin: de novo. Affected: yes. Observed: 2 variant alleles. Not counted in ClinVar's aggregate classification.

GeneDx
Classification: Pathogenic. Last evaluated: 2022-02-21. Review status: criteria provided, single submitter. Criteria: GeneDx Variant Classification Process June 2021. Collection method: clinical testing. Allele origin: germline. Affected: yes. Not counted in ClinVar's aggregate classification.
Comment: Published functional studies demonstrate that expression in human embryonic kidney cells caused constitutive ERK activation; under the same conditions, wild type cells had little effect (Chen et al., 2014); Not observed in large population cohorts (gnomAD); In silico analysis supports that this missense variant has a deleterious effect on protein structure/function; The majority of missense variants in this gene are considered pathogenic (HGMD); This variant is associated with the following publications: (PMID: 25049390, 17704260, 28049852, 24803665, 30763456, 31487502, 33448881, 31785789)

Institute of Medical Genetics and Applied Genomics, University Hospital Tübingen
Classification: Pathogenic. Last evaluated: 2021-06-17. Review status: criteria provided, single submitter. Criteria: ACMG Guidelines, 2015. Collection method: clinical testing. Allele origin: germline. Inheritance: Autosomal dominant inheritance. Affected: yes. Not counted in ClinVar's aggregate classification.

Clinical Genomics Laboratory, Stanford Medicine
Classification: Pathogenic for Cardiofaciocutaneous syndrome 3. Last evaluated: 2021-06-11. Review status: criteria provided, single submitter. Criteria: ACMG Guidelines, 2015. Collection method: clinical testing. Allele origin: germline. Affected: yes. Observed: 1 heterozygote. Not counted in ClinVar's aggregate classification.
Comment: The p.Asp67Asn variant in the MAP2K1 gene has been previously reported in at least 4 individuals with cardiofaciocutaneous syndrome or Noonan syndrome (Nava et al., 2007; Chen et al., 2014) and confirmed de novo in at least 2 individuals (Nava et al., 2007). This variant was absent from large population databases, including the Genome Aggregation Database. The MAP2K1 gene has fewer missense variants in the general population than expected. A low rate of missense variation may suggest that this gene is intolerant to missense variation. Functional studies of this variant demonstrated constitutive ERK activation in human embryonic kidney cells of the and are supportive of a deleterious effect to the protein (Chen et al., 2014). Computational tools predict that the p.Asp67Asn variant is deleterious; however, the accuracy of in silico algorithms is limited. These data were assessed using the ACMG/AMP variant interpretation guidelines. In summary, there is sufficient evidence to classify the p.Asp67Asn variant as pathogenic for cardiofaciocutaneous syndrome in an autosomal dominant manner based on the information above. [ACMG evidence codes used: PM6; PS3; PM2; PP2; PP3]

Illumina Laboratory Services, Illumina
Classification: Pathogenic for MAP2K1-related RASopathy. Last evaluated: 2020-01-29. Review status: criteria provided, single submitter. Criteria: ICSLVariantClassificationCriteria RUGD 01 April 2020. Collection method: clinical testing. Allele origin: unknown. Not counted in ClinVar's aggregate classification.
Comment: The MAP2K1 c.199G>A (p.Asp67Asn) variant is a missense variant that has been reported in a heterozygous state in at least four unrelated individuals with a diagnosis of either Noonan syndrome or cardiofaciocutaneous syndrome (Nava et al. 2007; Chen et al. 2014). In two cases, the variant was confirmed to have occurred de novo. The p.Asp67Asn variant is absent from the Genome Aggregation Database in a region of good sequencing coverage and is presumed to be rare. Expression of Asp67Asn MAP2K1 in HEK293T cells resulted in constitutive ERK activation (Chen et al. 2014), a functional effect consistent with the known disease mechanism. Based on the collective evidence, the p.Asp67Asn variant is classified as pathogenic for MAP2K1-related RASopathy.

Liping Wei Laboratory, Peking University
Classification: Pathogenic for Autism spectrum disorder. Last evaluated: 2018-08-01. Review status: criteria provided, single submitter. Criteria: Zhou et al. (Hum Mutat. 2019). Collection method: research. Allele origin: unknown. Affected: yes. Observed: 1 variant allele. Not counted in ClinVar's aggregate classification.

Center for Genomics, Ann and Robert H. Lurie Children's Hospital of Chicago
Classification: Pathogenic for Cardiofaciocutaneous syndrome 3. Last evaluated: 2017-11-16. Review status: criteria provided, single submitter. Criteria: ACMG Guidelines, 2015. Collection method: clinical testing. Allele origin: germline. Not counted in ClinVar's aggregate classification.
Comment: MAP2K1 NM_02755.3 p.Asp67Asn (c.199G>A): This variant has been reported in the literature in at least 5 individuals with Noonan syndrome or Cardio-Facio-Cutaneous syndrome (Nava 2007 PMID:17704260; Chen 2014 PMID:25049390; Carcavilla 2015 PMID:25194980) including 2 de novo cases (Nava 2007 PMID:17704260) and is not present in large control databases. This variant is present in ClinVar, with several labs classifying this variant as pathogenic (Variation ID: 40781). Evolutionary conservation and computational predictive tools suggest that this variant may impact the protein. In addition, in vitro (Chen 2014 PMID:25049390; Estep 2014 PMID: 18060073) and in vivo (Jindal 2016 PMID:2804985) functional studies suggest a deleterious effect of this variant. In summary, this variant is classified as pathogenic based on presence of affected individuals (including de novo occurences), absence from controls, and functional studies.

Laboratory for Molecular Medicine, Mass General Brigham Personalized Medicine
Classification: Pathogenic for Noonan syndrome; Cardio-facio-cutaneous syndrome. Last evaluated: 2014-10-31. Review status: criteria provided, single submitter. Criteria: LMM Criteria. Collection method: clinical testing. Allele origin: germline. Inheritance: Autosomal dominant inheritance. Observed: 6 variant alleles. Not counted in ClinVar's aggregate classification.
Comment: The p.Asp67Asn variant in MAP2K1 has been identified in 9 individuals with clini cal features of Noonan syndrome and/or Cardio-facio-cutaneous syndrome including 2 de novo occurences (Nava 2007, LMM unpublished data). This variant was absent from large population studies. In vitro functional studies provide some evidenc e that the p.Asp67Asn variant may impact protein function (Estep 2007). However, these types of assays may not accurately represent biological function. This va riant has also been reported in tumor samples from 2 individuals with colon canc er (Murugan 2009, Choi 2012). In summary, this variant meets our criteria to be classified as pathogenic for RASopathies in an autosomal dominant manner based upon de novo occurrences, abs ence from controls, and functional evidence.

Center for Genomics, Ann and Robert H. Lurie Children's Hospital of Chicago
Classification: Pathogenic for Cardiofaciocutaneous syndrome 3; Melorheostosis. Review status: criteria provided, single submitter. Criteria: ACMG Guidelines, 2015. Collection method: clinical testing. Allele origin: germline. Not counted in ClinVar's aggregate classification.
Comment: This sequence change replaces aspartic acid, which is acidic and polar, with asparagine, which is neutral and polar, at codon 67 of the MAP2K1 protein (p.Asp67Asn). This variant is not present in population databases (gnomAD no frequency). This missense change has been observed in individual(s) with Noonan syndrome or cardio-facio-cutaneous syndrome (PMID: 17704260, 25049390). In at least one individual the variant was observed to be de novo. ClinVar contains an entry for this variant (Variation ID: 40781). Advanced modeling of protein sequence and biophysical properties (such as structural, functional, and spatial information, amino acid conservation, physicochemical variation, residue mobility, and thermodynamic stability) performed at Invitae indicates that this missense variant is not expected to disrupt MAP2K1 protein function with a negative predictive value of 80%. Experimental studies have shown that this missense change affects MAP2K1 function (PMID: 25049390). For these reasons, this variant has been classified as Pathogenic.